The following is an entry in ClinVar:

NM_015512.5(DNAH1):c.8689G>A (p.Glu2897Lys)

Gene: DNAH1 (dynein axonemal heavy chain 1; plus strand). Cytogenetic location: 3p21.1.
Variant type: single nucleotide variant.
Coding change: c.8689G>A on transcript NM_015512.5 (MANE Select); coding-DNA position 8689, G replaced by A.
Protein change: p.Glu2897Lys; replaces glutamic acid 2897 with lysine.
Molecular consequence: missense variant.
Genome position (GRCh38, 1-based): chr3:52,386,223, G>A. VCF-style: chr3-52386223-G-A. GRCh37 (hg19) VCF-style: chr3-52420239-G-A.
Other names: short protein forms E2897K.
Identifiers: ClinVar variation 3059529 (VCV003059529.2), dbSNP rs1290427562, ClinGen allele CA353190505.
Genomic context (GRCh38, chr3:52,386,223, plus strand): 5'-GATACGGCCATCGCCGAGGAGACCCGGAATTCAGTGCAGACAGAGGAGATCAAAGCCAAT[G>A]AGAAGGCCAAGAAGGCACAAGCTATTGCTGACGATGCCCAGAAGGACCTGGACGAGGCGT-3'
Protein context (NP_056327.4, residues 2887-2907): SVQTEEIKAN[Glu2897Lys]KAKKAQAIAD

ClinVar aggregate classification (germline): Uncertain significance (0 of 4 stars; one submission).

Conditions:
DNAH1-related disorder. Also called: DNAH1-related condition.

Allele frequency attached by ClinVar (database versions not stated): TOPMed below 0.00001.

Submission:

PreventionGenetics, part of Exact Sciences
Classification: Uncertain significance for DNAH1-related condition. Last evaluated: 2023-12-15. Review status: no assertion criteria provided. Collection method: clinical testing. Allele origin: germline.
Comment: The DNAH1 c.8689G>A variant is predicted to result in the amino acid substitution p.Glu2897Lys. To our knowledge, this variant has not been reported in the literature or in a large population database, indicating this variant is rare. At this time, the clinical significance of this variant is uncertain due to the absence of conclusive functional and genetic evidence.